The following is an entry in ClinVar:

ClinVar aggregate classification (germline): Likely benign (1 of 4 stars; one submission).

Allele frequency attached by ClinVar (database versions not stated): 1000 Genomes Project 30x 0.00016; 1000 Genomes Project 0.00020; gnomAD 0.00038; TOPMed 0.00038; gnomAD exomes 0.00050; ExAC 0.00074; ESP Exome Variant Server 0.00085.
gnomAD v4.1: 803 of 1,613,178 alleles (0.05%); highest among the groups gnomAD compares: South Asian, 0.27%; 3 homozygotes.

Submission:

CeGaT Center for Human Genetics Tuebingen
Classification: Likely benign. Last evaluated: 2022-07-01. Review status: criteria provided, single submitter. Criteria: CeGaT Center For Human Genetics Tuebingen Variant Classification Criteria Version 2. Collection method: clinical testing. Allele origin: germline. Affected: yes. Observed: 1 variant allele.
Comment: RNF17: BP4

NM_031277.3(RNF17):c.1883C>T (p.Pro628Leu)

Gene: RNF17 (ring finger protein 17; plus strand). Cytogenetic location: 13q12.12.
Variant type: single nucleotide variant.
Coding change: c.1883C>T on transcript NM_031277.3 (MANE Select); coding-DNA position 1883, C replaced by T.
Protein change: p.Pro628Leu; replaces proline 628 with leucine.
Molecular consequence: missense variant.
Genome position (GRCh38, 1-based): chr13:24,802,505, C>T. VCF-style: chr13-24802505-C-T. GRCh37 (hg19) VCF-style: chr13-25376643-C-T.
Other names: c.1883C>T, p.Pro628Leu (NM_001184993.2); short protein forms P628L.
Identifiers: ClinVar variation 2643694 (VCV002643694.24), dbSNP rs150256939, ClinGen allele CA6918258.